The following is an entry in ClinVar:

ClinVar aggregate classification (germline): Pathogenic/Likely pathogenic. Review status: criteria provided, multiple submitters, no conflicts (2 of 4 stars). 2 submissions from 2 submitters: Pathogenic (1); Likely pathogenic (1). Last evaluated 2025-05-08.

Conditions:
Alport syndrome. Also called: Hemorrhagic familial nephritis; Hemorrhagic hereditary nephritis; Congenital hereditary hematuria. Identifiers: Orphanet 63, MedGen C1567741, MONDO:0018965.

gnomAD v4.1: 4 of 1,611,762 alleles (0.00025%); highest among the groups gnomAD compares: Non-Finnish European, 0.00034%; no homozygotes.

Submissions (2):

Natera, Inc.
Classification: Likely pathogenic for Alport syndrome. Last evaluated: 2025-05-08. Review status: criteria provided, single submitter. Criteria: Natera Variant Classification Schema (03/2026). Collection method: clinical testing. Allele origin: germline.
Comment: The c.1408+1G>A variant in COL4A3 is a canonical splice donor site variant predicted to affect pre-mRNA splicing, which may result in an abnormal transcript and altered protein product. This variant is expected to result in nonsense mediated decay, truncation, or a dysfunctional protein product. This variant is rare in the general population with a frequency below the threshold expected for the associated phenotype(s). Given the available evidence, this variant is classified as Likely Pathogenic.

Labcorp Genetics (formerly Invitae), Labcorp
Classification: Pathogenic. Last evaluated: 2023-12-06. Review status: criteria provided, single submitter. Criteria: Invitae Variant Classification Sherloc (09022015). Collection method: clinical testing. Allele origin: germline.
Comment: This sequence change affects a donor splice site in intron 22 of the COL4A3 gene. It is expected to disrupt RNA splicing. Variants that disrupt the donor or acceptor splice site typically lead to a loss of protein function (PMID: 16199547), and loss-of-function variants in COL4A3 are known to be pathogenic (PMID: 8956999, 24854265, 26809805, 27281700). This variant is not present in population databases (gnomAD no frequency). Disruption of this splice site has been observed in individuals with clinical features of Alport syndrome (PMID: 33040356; Invitae). ClinVar contains an entry for this variant (Variation ID: 1451638). Algorithms developed to predict the effect of sequence changes on RNA splicing suggest that this variant may disrupt the consensus splice site. For these reasons, this variant has been classified as Pathogenic.

Literature cited by the submitters: PubMed 16199547 (cited by Labcorp Genetics (formerly Invitae), Labcorp); PubMed 8956999 (cited by Labcorp Genetics (formerly Invitae), Labcorp); PubMed 24854265 (cited by Labcorp Genetics (formerly Invitae), Labcorp); PubMed 26809805 (cited by Labcorp Genetics (formerly Invitae), Labcorp); PubMed 27281700 (cited by Labcorp Genetics (formerly Invitae), Labcorp); PubMed 33040356 (cited by Labcorp Genetics (formerly Invitae), Labcorp).

NM_000091.5(COL4A3):c.1408+1G>A

Genes: COL4A3 (collagen type IV alpha 3 chain; plus strand), MFF-DT (MFF divergent transcript; minus strand). Cytogenetic location: 2q36.3.
Variant type: single nucleotide variant.
Coding change: c.1408+1G>A on transcript NM_000091.5 (MANE Select); the canonical splice donor site of the intron after coding-DNA position 1408, G replaced by A.
Molecular consequence: splice donor variant.
Genome position (GRCh38, 1-based): chr2:227,266,510, G>A. VCF-style: chr2-227266510-G-A. GRCh37 (hg19) VCF-style: chr2-228131226-G-A.
Other names: c.1408+1G>A (NM_000091.4).
Identifiers: ClinVar variation 1451638 (VCV001451638.8), dbSNP rs1185847791, ClinGen allele CA350870226.
Genomic context (GRCh38, chr2:227,266,510, plus strand): 5'-ATCACGGACTGCCAGGCTATCTAGGGTCTCCAGGAATCCCAGGAGTTGATGGGCCCAAAG[G>A]TTGGTTCAATCAATAATGTTGTATTAGGATAAGCCTTTTTCATCGTCATTATTATCACTG-3'